The following is an entry in ClinVar:

NM_004006.3(DMD):c.6502G>T (p.Glu2168Ter)

Gene: DMD (dystrophin; minus strand). Cytogenetic location: Xp21.1.
Variant type: single nucleotide variant.
Coding change: c.6502G>T on transcript NM_004006.3 (MANE Select); coding-DNA position 6502, G replaced by T.
Protein change: p.Glu2168Ter; replaces glutamic acid 2168 with a stop codon.
Molecular consequence: nonsense. On other transcripts: 5 prime UTR variant (5).
Genome position (GRCh38, 1-based): chrX:31,968,451, C>A on the plus strand (G>T on the coding strand, the complement: DMD is on the minus strand). VCF-style: chrX-31968451-C-A. GRCh37 (hg19) VCF-style: chrX-31986568-C-A.
Other names: c.6478G>T, p.Glu2160Ter (NM_000109.4); c.6490G>T, p.Glu2164Ter (NM_004009.3); c.6133G>T, p.Glu2045Ter (NM_004010.3); c.2479G>T, p.Glu827Ter (NM_004011.4); c.2470G>T, p.Glu824Ter (NM_004012.4); c.-879G>T (NM_004013.3, NM_004020.4, NM_004021.3 and 2 more transcripts); short protein forms E2168*, E827*, E2160*, E824*, E2164*, E2045*.
Identifiers: ClinVar variation 225615 (VCV000225615.2), dbSNP rs779739455, ClinGen allele CA358809.

ClinVar aggregate classification (germline): Pathogenic. Review status: no assertion criteria provided (0 of 4 stars). 3 submissions from 2 submitters: Pathogenic (3). Last evaluated 2016-10-03.

Conditions:
Becker muscular dystrophy (BMD). Also called: Becker Muscular Dystrophy (BMD); MUSCULAR DYSTROPHY, PSEUDOHYPERTROPHIC PROGRESSIVE, BECKER TYPE. Identifiers: Orphanet 98895, MedGen C0917713, MONDO:0010311, OMIM 300376.
Duchenne muscular dystrophy (DMD). Also called: MUSCULAR DYSTROPHY, PSEUDOHYPERTROPHIC PROGRESSIVE, DUCHENNE TYPE; Duchenne Muscular Dystrophy (DMD). Identifiers: Orphanet 98896, MedGen C0013264, MONDO:0010679, OMIM 310200.

Submissions (3):

Clinical Molecular Genetics Laboratory, Johns Hopkins All Children's Hospital
Classification: Pathogenic for Duchenne muscular dystrophy. Last evaluated: 2016-10-03. Review status: no assertion criteria provided. Collection method: clinical testing. Allele origin: germline. Affected: yes.

Clinical Molecular Genetics Laboratory, Johns Hopkins All Children's Hospital
Classification: Pathogenic for Becker muscular dystrophy. Last evaluated: 2016-10-03. Review status: no assertion criteria provided. Collection method: clinical testing. Allele origin: germline. Affected: yes.

Laboratory Genomica, Gynecology and Assisted Reproduction Hospital Malinov DM
Classification: Pathogenic for Duchenne muscular dystrophy. Last evaluated: 2014-03-20. Review status: no assertion criteria provided. Collection method: clinical testing. Allele origin: germline. Inheritance: X-linked recessive inheritance. Affected: yes. Observed: 1 variant allele, 1 hemizygote.
Comment: Premature stop codon formation